The following is an entry in ClinVar:

NM_001355436.2(SPTB):c.4355C>T (p.Ala1452Val)

Gene: SPTB (spectrin beta, erythrocytic; minus strand). Cytogenetic location: 14q23.3.
Variant type: single nucleotide variant.
Coding change: c.4355C>T on transcript NM_001355436.2 (MANE Select); coding-DNA position 4355, C replaced by T.
Protein change: p.Ala1452Val; replaces alanine 1452 with valine.
Molecular consequence: missense variant.
Genome position (GRCh38, 1-based): chr14:64,779,843, G>A on the plus strand (C>T on the coding strand, the complement: SPTB is on the minus strand). VCF-style: chr14-64779843-G-A. GRCh37 (hg19) VCF-style: chr14-65246561-G-A.
Other names: p.(Ala1452Val); c.4355C>T, p.Ala1452Val (NM_001024858.4, NM_001355437.2); short protein forms A1452V.
Identifiers: ClinVar variation 1163073 (VCV001163073.6), dbSNP rs768609633, ClinGen allele CA7230331.

ClinVar aggregate classification (germline): Uncertain significance. Review status: criteria provided, multiple submitters, no conflicts (2 of 4 stars). 2 submissions from 2 submitters: Uncertain significance (2). Last evaluated 2024-02-12.

Conditions:
Hereditary spherocytosis type 2. Also called: SPHEROCYTOSIS, TYPE 2, AUTOSOMAL DOMINANT. Identifiers: Orphanet 822, MedGen C2674219, MONDO:0000913, OMIM 616649.

Allele frequency attached by ClinVar (database versions not stated): gnomAD exomes 0.00004 and 0.00006; gnomAD 0.00001; TOPMed 0.00001; ExAC 0.00007.
gnomAD v4.1: 57 of 1,614,026 alleles (0.0035%); highest among the groups gnomAD compares: South Asian, 0.035%; no homozygotes.

Submissions (2):

Department of Pediatrics, Duzce University
Classification: Uncertain significance for Hereditary spherocytosis type 2. Last evaluated: 2024-02-12. Review status: criteria provided, single submitter. Criteria: ACMG Guidelines, 2015. Collection method: research. Allele origin: germline. Inheritance: Autosomal dominant inheritance. Affected: yes.
Comment: Missense variant p.(Ala1452Val) of uncertain significance. Rare in population databases (PM2_supporting); in silico predictions are insufficient or conflicting; no adequate functional or segregation evidence is currently available to classify as pathogenic or benign. Applied ACMG/AMP criteria: PM2_supporting. Classification: Uncertain significance.

Mayo Clinic Laboratories, Mayo Clinic
Classification: Uncertain significance. Last evaluated: 2020-04-14. Review status: criteria provided, single submitter. Criteria: ACMG Guidelines, 2015. Collection method: clinical testing. Allele origin: germline. Observed: 1 variant allele.